The following is an entry in ClinVar:

ClinVar aggregate classification (germline): Uncertain significance. Review status: criteria provided, multiple submitters, no conflicts (2 of 4 stars). 3 submissions from 3 submitters: Uncertain significance (3). Last evaluated 2025-10-07.

Conditions:
Hereditary cancer-predisposing syndrome. Also called: Tumor predisposition; Hereditary neoplastic syndrome; Hereditary Cancer Syndrome; Neoplastic Syndromes, Hereditary. Identifiers: Orphanet 140162, MedGen C0027672, MeSH D009386, MONDO:0015356.
Familial cancer of breast. Also called: hereditary breast carcinoma; BREAST CANCER, FAMILIAL; Hereditary breast cancer. Identifiers: Orphanet 227535, MedGen C0346153, MONDO:0016419, OMIM 114480. Disease mechanism: loss of function.

Allele frequency attached by ClinVar (database versions not stated): gnomAD exomes below 0.00001; TOPMed below 0.00001; ExAC 0.00001; gnomAD 0.00001.
gnomAD v4.1: 2 of 1,614,078 alleles (0.00012%); highest among the groups gnomAD compares: South Asian, 0.0022%; no homozygotes.

Submissions (3):

Ambry Genetics
Classification: Uncertain significance for Hereditary cancer-predisposing syndrome. Last evaluated: 2025-10-07. Review status: criteria provided, single submitter. Criteria: Ambry Variant Classification Scheme 2023. Collection method: clinical testing. Allele origin: germline.
Comment: The p.P90S variant (also known as c.268C>T), located in coding exon 1 of the CHEK2 gene, results from a C to T substitution at nucleotide position 268. The proline at codon 90 is replaced by serine, an amino acid with similar properties. This amino acid position is highly conserved in available vertebrate species. In addition, the in silico prediction for this alteration is inconclusive. Based on the available evidence, the clinical significance of this variant remains unclear.

Labcorp Genetics (formerly Invitae), Labcorp
Classification: Uncertain significance for Familial cancer of breast. Last evaluated: 2024-11-18. Review status: criteria provided, single submitter. Criteria: Invitae Variant Classification Sherloc (09022015). Collection method: clinical testing. Allele origin: germline.
Comment: This sequence change replaces proline, which is neutral and non-polar, with serine, which is neutral and polar, at codon 90 of the CHEK2 protein (p.Pro90Ser). This variant is present in population databases (rs777588170, gnomAD 0.003%). This missense change has been observed in individual(s) with breast cancer (PMID: 30287823). ClinVar contains an entry for this variant (Variation ID: 577593). An algorithm developed to predict the effect of missense changes on protein structure and function (PolyPhen-2) suggests that this variant is likely to be disruptive. In summary, the available evidence is currently insufficient to determine the role of this variant in disease. Therefore, it has been classified as a Variant of Uncertain Significance.

GeneDx
Classification: Uncertain significance. Last evaluated: 2023-08-18. Review status: criteria provided, single submitter. Criteria: GeneDx Variant Classification Process June 2021. Collection method: clinical testing. Allele origin: germline. Affected: yes.
Comment: Not observed at significant frequency in large population cohorts (gnomAD); In silico analysis supports that this missense variant has a deleterious effect on protein structure/function; Identified in individuals with breast and biliary tract cancers, and also in unaffected controls (Momozawa et al., 2018; Okawa et al., 2023); This variant is associated with the following publications: (PMID: 36243179, 30287823)

Literature cited by the submitters: PubMed 30287823 (cited by Ambry Genetics and Labcorp Genetics (formerly Invitae), Labcorp).

NM_007194.4(CHEK2):c.268C>T (p.Pro90Ser)

Gene: CHEK2 (checkpoint kinase 2; minus strand). Cytogenetic location: 22q12.1.
Variant type: single nucleotide variant.
Coding change: c.268C>T on transcript NM_007194.4 (MANE Select); coding-DNA position 268, C replaced by T.
Protein change: p.Pro90Ser; replaces proline 90 with serine.
Molecular consequence: missense variant.
Genome position (GRCh38, 1-based): chr22:28,734,454, G>A on the plus strand (C>T on the coding strand, the complement: CHEK2 is on the minus strand). VCF-style: chr22-28734454-G-A. GRCh37 (hg19) VCF-style: chr22-29130442-G-A.
Other names: c.268C>T, p.Pro90Ser (NM_001005735.3, NM_001349956.3, NM_145862.3); c.-510C>T (NM_001257387.3); short protein forms P90S.
Identifiers: ClinVar variation 577593 (VCV000577593.18), dbSNP rs777588170, ClinGen allele CA10168054.